The following is an entry in ClinVar:

ClinVar aggregate classification (germline): Uncertain significance. Review status: criteria provided, multiple submitters, no conflicts (2 of 4 stars). 2 submissions from 2 submitters: Uncertain significance (2). Last evaluated 2024-12-04.

Conditions:
Intellectual developmental disorder, X-linked, syndromic, Turner type. Also called: X-linked intellectual disability, Turner type; Intellectual disability, X-linked syndromic, Turner type. Identifiers: Orphanet 3056, Orphanet 85328, MedGen C2678046, MONDO:0010407, OMIM 309590.

Allele frequency attached by ClinVar (database versions not stated): gnomAD exomes below 0.00001; TOPMed below 0.00001.
gnomAD v4.1: 2 of 1,206,579 alleles (0.00017%); highest among the groups gnomAD compares: Non-Finnish European, 0.00022%; no homozygotes.

Submissions (2):

GeneDx
Classification: Uncertain significance. Last evaluated: 2024-12-04. Review status: criteria provided, single submitter. Criteria: GeneDx Variant Classification Process June 2021. Collection method: clinical testing. Allele origin: germline. Affected: yes.
Comment: Identified in the hemizygous state in an individual with tricuspid atresia; however, this individual was not reported to have HUWE1-related features (PMID: 30507091); In silico analysis indicates that this missense variant does not alter protein structure/function; This variant is associated with the following publications: (PMID: 30507091)

Revvity Omics, Revvity
Classification: Uncertain significance for Intellectual developmental disorder, X-linked, syndromic, Turner type. Last evaluated: 2023-08-04. Review status: criteria provided, single submitter. Criteria: ACMG Guidelines, 2015. Collection method: clinical testing. Allele origin: germline.

NM_031407.7(HUWE1):c.6062C>T (p.Thr2021Ile)

Gene: HUWE1 (HECT, UBA and WWE domain containing E3 ubiquitin protein ligase 1; minus strand). Cytogenetic location: Xp11.22.
Variant type: single nucleotide variant.
Coding change: c.6062C>T on transcript NM_031407.7 (MANE Select); coding-DNA position 6062, C replaced by T.
Protein change: p.Thr2021Ile; replaces threonine 2021 with isoleucine.
Molecular consequence: missense variant.
Genome position (GRCh38, 1-based): chrX:53,575,190, G>A on the plus strand (C>T on the coding strand, the complement: HUWE1 is on the minus strand). VCF-style: chrX-53575190-G-A. GRCh37 (hg19) VCF-style: chrX-53602150-G-A.
Other names: c.6062C>T (NM_031407.4); short protein forms T2021I.
Identifiers: ClinVar variation 2689228 (VCV002689228.3), dbSNP rs1556957192, ClinGen allele CA413170240.